The following is an entry in ClinVar:

NM_006416.5(SLC35A1):c.575-3C>T

Gene: SLC35A1 (solute carrier family 35 member A1; plus strand). Cytogenetic location: 6q15.
Variant type: single nucleotide variant.
Coding change: c.575-3C>T on transcript NM_006416.5 (MANE Select); 3 bases into the intron before coding-DNA position 575, C replaced by T.
Molecular consequence: intron variant.
Genome position (GRCh38, 1-based): chr6:87,508,417, C>T. VCF-style: chr6-87508417-C-T. GRCh37 (hg19) VCF-style: chr6-88218135-C-T.
Other names: c.575-624C>T (NM_001168398.2).
Identifiers: ClinVar variation 4631288 (VCV004631288.1).

ClinVar aggregate classification (germline): Uncertain significance (1 of 4 stars; one submission).

Conditions:
Inborn genetic diseases. Identifiers: MedGen C0950123, MeSH D030342.

gnomAD v4.1: 1 of 1,580,108 alleles (0.000063%); highest among the groups gnomAD compares: African/African-American, 0.0013%; no homozygotes.

Submission:

Ambry Genetics
Classification: Uncertain significance for Inborn genetic diseases. Last evaluated: 2025-12-04. Review status: criteria provided, single submitter. Criteria: Ambry Variant Classification Scheme 2023. Collection method: clinical testing. Allele origin: germline.
Comment: The c.575-3C>T intronic alteration consists of a C to T substitution 3 nucleotides before coding exon 6 in the SLC35A1 gene. Based on data from gnomAD, the T allele has an overall frequency of 0.003% (1/31350) total alleles studied. The highest observed frequency was 0.012% (1/8710) of African alleles. Based on insufficient or conflicting evidence, the clinical significance of this alteration remains unclear.